The following is an entry in ClinVar:

ClinVar aggregate classification (germline): Uncertain significance (1 of 4 stars; one submission).

Conditions:
Familial thoracic aortic aneurysm and aortic dissection (TAAD). Also called: Thoracic aortic aneurysms and dissections. Identifiers: Orphanet 91387, MedGen C4707243, MONDO:0019625.

Allele frequency attached by ClinVar (database versions not stated): gnomAD exomes below 0.00001.
gnomAD v4.1: 1 of 1,614,116 alleles (0.000062%); highest among the groups gnomAD compares: Non-Finnish European, 0.000085%; no homozygotes.

Submission:

Color Diagnostics, LLC DBA Color Health
Classification: Uncertain significance for Familial thoracic aortic aneurysm and aortic dissection. Last evaluated: 2024-03-06. Review status: criteria provided, single submitter. Criteria: ACMG Guidelines, 2015. Collection method: clinical testing. Allele origin: germline.
Comment: This missense variant replaces serine with isoleucine at codon 1392 of the MYH11 protein. Computational prediction suggests that this variant may not impact protein structure and function (internally defined REVEL score threshold <= 0.5, PMID: 27666373). To our knowledge, functional studies have not been reported for this variant. This variant has not been reported in individuals affected with MYH11-related disorders in the literature. This variant has not been identified in the general population by the Genome Aggregation Database (gnomAD). The available evidence is insufficient to determine the role of this variant in disease conclusively. Therefore, this variant is classified as a Variant of Uncertain Significance.

NM_002474.3(MYH11):c.4154G>T (p.Ser1385Ile)

Genes: MYH11 (myosin heavy chain 11; minus strand), NDE1 (nudE neurodevelopment protein 1; plus strand). Cytogenetic location: 16p13.11.
Variant type: single nucleotide variant.
Coding change: c.4154G>T on transcript NM_002474.3 (MANE Select); coding-DNA position 4154, G replaced by T.
Protein change: p.Ser1385Ile; replaces serine 1385 with isoleucine.
Molecular consequence: missense variant. On other transcripts: 3 prime UTR variant (2).
Genome position (GRCh38, 1-based): chr16:15,724,372, C>A on the plus strand (G>T on the coding strand, the complement: MYH11 is on the minus strand). VCF-style: chr16-15724372-C-A. GRCh37 (hg19) VCF-style: chr16-15818229-C-A.
Other names: c.4175G>T, p.Ser1392Ile (NM_001040113.2, NM_001040114.2); c.4154G>T, p.Ser1385Ile (NM_022844.3); c.*121C>A (NM_001143979.2, NM_017668.3); short protein forms S1385I, S1392I.
Identifiers: ClinVar variation 921394 (VCV000921394.5), dbSNP rs2040640042, ClinGen allele CA394857473.